The following is an entry in ClinVar:

ClinVar aggregate classification (germline): Likely benign. Review status: criteria provided, multiple submitters, no conflicts (2 of 4 stars). 2 submissions from 2 submitters: Likely benign (2). Last evaluated 2025-10-14.

Allele frequency attached by ClinVar (database versions not stated): TOPMed 0.00002; gnomAD 0.00003; gnomAD exomes 0.00005; ExAC 0.00011.

Submissions (2):

Mayo Clinic Laboratories, Mayo Clinic
Classification: Likely benign. Last evaluated: 2025-10-14. Review status: criteria provided, single submitter. Criteria: ACMG Guidelines, 2015. Collection method: clinical testing. Allele origin: germline. Observed: 2 variant alleles.
Comment: BP4, BP7, PM2_supporting

CeGaT Center for Human Genetics Tuebingen
Classification: Likely benign. Last evaluated: 2022-08-01. Review status: criteria provided, single submitter. Criteria: CeGaT Center For Human Genetics Tuebingen Variant Classification Criteria Version 2. Collection method: clinical testing. Allele origin: germline. Affected: yes. Observed: 2 variant alleles.
Comment: TMPRSS6: BP4, BP7

Literature cited by the submitters: PubMed 32446932 (cited by Mayo Clinic Laboratories, Mayo Clinic).

NM_001374504.1(TMPRSS6):c.1995C>T (p.Leu665=)

Gene: TMPRSS6 (transmembrane serine protease 6; minus strand). Cytogenetic location: 22q12.3.
Variant type: single nucleotide variant.
Coding change: c.1995C>T on transcript NM_001374504.1 (MANE Select); coding-DNA position 1995, C replaced by T.
Protein change: p.Leu665=; no amino-acid change (leucine 665 retained).
Molecular consequence: synonymous variant.
Genome position (GRCh38, 1-based): chr22:37,069,191, G>A on the plus strand (C>T on the coding strand, the complement: TMPRSS6 is on the minus strand). VCF-style: chr22-37069191-G-A. GRCh37 (hg19) VCF-style: chr22-37465231-G-A.
Other names: p.Leu674=; c.2022C>T (NM_153609.3); c.1995C>T, p.Leu665= (NM_001289000.2, NM_001289001.2, NM_153609.4).
Identifiers: ClinVar variation 1711551 (VCV001711551.31), dbSNP rs757296036, ClinGen allele CA10215414.